The following is an entry in ClinVar:

ClinVar aggregate classification (germline): Benign (1 of 4 stars; one submission).

Conditions:
Leigh syndrome (NULS). Also called: Leigh's necrotizing encephalopathy; Leigh's disease; Leigh Syndrome (mtDNA deletion); Leigh Disease; Subacute necrotizing encephalopathy; Necrotizing encephalopathy infantile subacute of Leigh. Identifiers: Orphanet 506, MedGen C2931891, MONDO:0009723, OMIM 256000.

Submission:

Wong Mito Lab, Molecular and Human Genetics, Baylor College of Medicine
Classification: Benign for Leigh syndrome. Last evaluated: 2019-10-17. Review status: criteria provided, single submitter. Criteria: Modified ACMG Guidelines (Unpublished). Collection method: clinical testing. Allele origin: germline.
Comment: The NC_012920.1:m.9101T>G (YP_003024031.1:p.Ile192Ser) variant in MTATP6 gene is interpretated to be a Benign variant based on the modified ACMG guidelines (unpublished). This variant meets the following evidence codes: BS1, BS2, BP4

NC_012920.1(MT-ATP6):m.9101T>G

Gene: MT-ATP6 (mitochondrially encoded ATP synthase 6; plus strand).
Variant type: single nucleotide variant.
Genome position: chrM-9101-T-G.
Identifiers: ClinVar variation 693092 (VCV000693092.1), dbSNP rs199476134, ClinGen allele CA414802214.